The following is an entry in ClinVar:

NM_020937.4(FANCM):c.4603G>A (p.Glu1535Lys)

Gene: FANCM (FA complementation group M; plus strand). Cytogenetic location: 14q21.2.
Variant type: single nucleotide variant.
Coding change: c.4603G>A on transcript NM_020937.4 (MANE Select); coding-DNA position 4603, G replaced by A.
Protein change: p.Glu1535Lys; replaces glutamic acid 1535 with lysine.
Molecular consequence: missense variant.
Genome position (GRCh38, 1-based): chr14:45,185,304, G>A. VCF-style: chr14-45185304-G-A. GRCh37 (hg19) VCF-style: chr14-45654507-G-A.
Other names: c.4525G>A, p.Glu1509Lys (NM_001308133.2); short protein forms E1509K, E1535K.
Identifiers: ClinVar variation 3848635 (VCV003848635.1).

ClinVar aggregate classification (germline): Uncertain significance (1 of 4 stars; one submission).

Conditions:
Inborn genetic diseases. Identifiers: MedGen C0950123, MeSH D030342.

Submission:

Ambry Genetics
Classification: Uncertain significance for Inborn genetic diseases. Last evaluated: 2025-01-17. Review status: criteria provided, single submitter. Criteria: Ambry Variant Classification Scheme 2023. Collection method: clinical testing. Allele origin: germline.
Comment: The p.E1535K variant (also known as c.4603G>A), located in coding exon 18 of the FANCM gene, results from a G to A substitution at nucleotide position 4603. The glutamic acid at codon 1535 is replaced by lysine, an amino acid with similar properties. This amino acid position is conserved. In addition, the in silico prediction for this alteration is inconclusive. Based on the available evidence, the clinical significance of this variant remains unclear.